The following is an entry in ClinVar:

ClinVar aggregate classification (germline): Uncertain significance (1 of 4 stars; one submission).

Conditions:
Charcot-Marie-Tooth disease axonal type 2O. Also called: CHARCOT-MARIE-TOOTH NEUROPATHY, AXONAL, TYPE 2O; CHARCOT-MARIE-TOOTH DISEASE, AXONAL, AUTOSOMAL DOMINANT, TYPE 2O; Charcot-Marie-Tooth Neuropathy Type 2O; Charcot-Marie-Tooth disease, axonal, type 20. Identifiers: Orphanet 284232, MedGen C3280220, MONDO:0013644, OMIM 614228.

Submission:

Labcorp Genetics (formerly Invitae), Labcorp
Classification: Uncertain significance for Charcot-Marie-Tooth disease axonal type 2O. Last evaluated: 2023-02-16. Review status: criteria provided, single submitter. Criteria: Invitae Variant Classification Sherloc (09022015). Collection method: clinical testing. Allele origin: germline.
Comment: In summary, the available evidence is currently insufficient to determine the role of this variant in disease. Therefore, it has been classified as a Variant of Uncertain Significance. Advanced modeling of protein sequence and biophysical properties (such as structural, functional, and spatial information, amino acid conservation, physicochemical variation, residue mobility, and thermodynamic stability) performed at Invitae indicates that this missense variant is not expected to disrupt DYNC1H1 protein function. This variant has not been reported in the literature in individuals affected with DYNC1H1-related conditions. This variant is not present in population databases (gnomAD no frequency). This sequence change replaces lysine, which is basic and polar, with asparagine, which is neutral and polar, at codon 1414 of the DYNC1H1 protein (p.Lys1414Asn).

NM_001376.5(DYNC1H1):c.4242A>C (p.Lys1414Asn)

Gene: DYNC1H1 (dynein cytoplasmic 1 heavy chain 1; plus strand). Cytogenetic location: 14q32.31.
Variant type: single nucleotide variant.
Coding change: c.4242A>C on transcript NM_001376.5 (MANE Select); coding-DNA position 4242, A replaced by C.
Protein change: p.Lys1414Asn; replaces lysine 1414 with asparagine.
Molecular consequence: missense variant.
Genome position (GRCh38, 1-based): chr14:102,001,201, A>C. VCF-style: chr14-102001201-A-C. GRCh37 (hg19) VCF-style: chr14-102467538-A-C.
Other names: short protein forms K1414N.
Identifiers: ClinVar variation 2838028 (VCV002838028.3), dbSNP rs2503730127, ClinGen allele CA391040209.
Genomic context (GRCh38, chr14:102,001,201, plus strand): 5'-ACAGATAAATATGCTGGTGATTGAACTGAAATCCGAAGCACTTAAAGACCGCCATTGGAA[A>C]CAGCTCATGAAAAGGCTTCACGTTAATTGGGTTGTTTCTGAGCTAACCCTTGGCCAAATC-3'
Protein context (NP_001367.2, residues 1404-1424): KSEALKDRHW[Lys1414Asn]QLMKRLHVNW